The following is an entry in ClinVar:

NM_003924.4(PHOX2B):c.*1662A>T

Gene: PHOX2B (paired like homeobox 2B; minus strand). Cytogenetic location: 4p13.
Variant type: single nucleotide variant.
Coding change: c.*1662A>T on transcript NM_003924.4 (MANE Select); 1662 bases downstream of the stop codon, A replaced by T.
Molecular consequence: 3 prime UTR variant.
Genome position (GRCh38, 1-based): chr4:41,744,145, T>A on the plus strand (A>T on the coding strand, the complement: PHOX2B is on the minus strand). VCF-style: chr4-41744145-T-A. GRCh37 (hg19) VCF-style: chr4-41746162-T-A.
Identifiers: ClinVar variation 348780 (VCV000348780.6), dbSNP rs1063611, ClinGen allele CA10618729.

ClinVar aggregate classification (germline): Benign. Review status: criteria provided, multiple submitters, no conflicts (2 of 4 stars). 3 submissions from 2 submitters: Benign (3). Last evaluated 2018-01-12.

Conditions:
Neuroblastoma, susceptibility to, 2. Identifiers: Orphanet 635, MedGen C2751682, MONDO:0700041, OMIM 613013.
Congenital central hypoventilation. Also called: Congenital Central Hypoventilation Syndrome. Identifiers: Orphanet 661, Orphanet 99803, MedGen C1275808, MONDO:0800031. Disease mechanism: gain of function.

Allele frequency attached by ClinVar (database versions not stated): 1000 Genomes Project 0.02117; 1000 Genomes Project 30x 0.02139; gnomAD exomes 0.04634; gnomAD 0.04731; TOPMed 0.04758.
gnomAD v4.1: 9,379 of 190,756 alleles (4.9%); highest among the groups gnomAD compares: Non-Finnish European, 7.1%; 347 homozygotes.

Submissions (3):

Illumina Laboratory Services, Illumina
Classification: Benign for Central hypoventilation syndrome, congenital, 1, with or without Hirschsprung disease. Last evaluated: 2018-01-12. Review status: criteria provided, single submitter. Criteria: ICSL Variant Classification Criteria 13 December 2019. Collection method: clinical testing. Allele origin: germline.
Comment: This variant was observed in the ICSL laboratory as part of a predisposition screen in an ostensibly healthy population. It had not been previously curated by ICSL or reported in the Human Gene Mutation Database (HGMD: prior to June 1st, 2018), and was therefore a candidate for classification through an automated scoring system. Utilizing variant allele frequency, disease prevalence and penetrance estimates, and inheritance mode, an automated score was calculated to assess if this variant is too frequent to cause the disease. Based on the score and internal cut-off values, a variant classified as benign is not then subjected to further curation. The score for this variant resulted in a classification of benign for this disease.

Illumina Laboratory Services, Illumina
Classification: Benign for Neuroblastoma, susceptibility to, 2. Last evaluated: 2018-01-12. Review status: criteria provided, single submitter. Criteria: ICSL Variant Classification Criteria 13 December 2019. Collection method: clinical testing. Allele origin: germline.
Comment: the same text as in the submission from Illumina Laboratory Services, Illumina above.

Breakthrough Genomics
Classification: Benign. Review status: criteria provided, single submitter. Criteria: ACMG Guidelines, 2015. Collection method: not provided. Allele origin: germline. Inheritance: Autosomal dominant inheritance. Affected: yes.